The following is an entry in ClinVar:

NM_144997.7(FLCN):c.1524G>A (p.Lys508=)

Gene: FLCN (folliculin; minus strand). Cytogenetic location: 17p11.2.
Variant type: single nucleotide variant.
Coding change: c.1524G>A on transcript NM_144997.7 (MANE Select); coding-DNA position 1524, G replaced by A.
Protein change: p.Lys508=; no amino-acid change (lysine 508 retained).
Molecular consequence: synonymous variant.
Genome position (GRCh38, 1-based): chr17:17,214,999, C>T on the plus strand (G>A on the coding strand, the complement: FLCN is on the minus strand). VCF-style: chr17-17214999-C-T. GRCh37 (hg19) VCF-style: chr17-17118313-C-T.
Other names: c.1578G>A, p.Lys526= (NM_001353229.2); c.1524G>A, p.Lys508= (NM_001353230.2, NM_001353231.2).
Identifiers: ClinVar variation 2823983 (VCV002823983.4), dbSNP rs2544140733, ClinGen allele CA498421013.

ClinVar aggregate classification (germline): Benign/Likely benign. Review status: criteria provided, multiple submitters, no conflicts (2 of 4 stars). 2 submissions from 2 submitters: Benign (1); Likely benign (1). Last evaluated 2024-10-25.

Conditions:
Birt-Hogg-Dube syndrome. Also called: Birt Hogg Dubé syndrome. Identifiers: Orphanet 122, MedGen C0346010, MONDO:0800444.
Birt-Hogg-Dube syndrome 1 (BHD1). Also called: FIBROFOLLICULOMAS WITH TRICHODISCOMAS AND ACROCHORDONS. Identifiers: Orphanet 122, MedGen CN375946, MONDO:0800445, OMIM 135150.

Submissions (2):

Myriad Genetics, Inc.
Classification: Benign for Birt-Hogg-Dube syndrome 1. Last evaluated: 2024-10-25. Review status: criteria provided, single submitter. Criteria: Myriad Autosomal Dominant, Autosomal Recessive and X-Linked Classification Criteria (2023). Collection method: clinical testing. Allele origin: unknown.
Comment: This variant is considered benign. This variant is a silent/synonymous amino acid change and it is not expected to impact splicing.

Labcorp Genetics (formerly Invitae), Labcorp
Classification: Likely benign for Birt-Hogg-Dube syndrome. Last evaluated: 2024-04-03. Review status: criteria provided, single submitter. Criteria: Invitae Variant Classification Sherloc (09022015). Collection method: clinical testing. Allele origin: germline.